The following is an entry in ClinVar:

ClinVar aggregate classification (germline): Uncertain significance. Review status: criteria provided, multiple submitters, no conflicts (2 of 4 stars). 4 submissions from 4 submitters: Uncertain significance (4). Last evaluated 2025-12-01.

Conditions:
Inborn genetic diseases. Identifiers: MedGen C0950123, MeSH D030342.

Allele frequency attached by ClinVar (database versions not stated): 1000 Genomes Project 0.00020; 1000 Genomes Project 30x 0.00031; ESP Exome Variant Server 0.00031; gnomAD exomes 0.00036; ExAC 0.00040.
gnomAD v4.1: 718 of 1,613,562 alleles (0.044%); highest among the groups gnomAD compares: Middle Eastern, 0.12%; no homozygotes.

Submissions (4):

CeGaT Center for Human Genetics Tuebingen
Classification: Uncertain significance. Last evaluated: 2025-12-01. Review status: criteria provided, single submitter. Criteria: CeGaT Center For Human Genetics Tuebingen Variant Classification Criteria Version 2. Collection method: clinical testing. Allele origin: germline. Affected: yes. Observed: 1 variant allele.

Ambry Genetics
Classification: Uncertain significance for Inborn genetic diseases. Last evaluated: 2024-03-14. Review status: criteria provided, single submitter. Criteria: Ambry Variant Classification Scheme 2023. Collection method: clinical testing. Allele origin: germline.

Labcorp Genetics (formerly Invitae), Labcorp
Classification: Uncertain significance. Last evaluated: 2022-10-05. Review status: criteria provided, single submitter. Criteria: Invitae Variant Classification Sherloc (09022015). Collection method: clinical testing. Allele origin: germline.
Comment: This sequence change replaces proline, which is neutral and non-polar, with serine, which is neutral and polar, at codon 192 of the SLC25A42 protein (p.Pro192Ser). This variant is present in population databases (rs144256360, gnomAD 0.08%). This variant has not been reported in the literature in individuals affected with SLC25A42-related conditions. ClinVar contains an entry for this variant (Variation ID: 1442839). Advanced modeling of protein sequence and biophysical properties (such as structural, functional, and spatial information, amino acid conservation, physicochemical variation, residue mobility, and thermodynamic stability) performed at Invitae indicates that this missense variant is not expected to disrupt SLC25A42 protein function. In summary, the available evidence is currently insufficient to determine the role of this variant in disease. Therefore, it has been classified as a Variant of Uncertain Significance.

Breakthrough Genomics
Classification: Uncertain significance. Review status: criteria provided, single submitter. Criteria: ACMG Guidelines, 2015. Collection method: not provided. Allele origin: germline. Inheritance: Autosomal dominant inheritance. Affected: yes.

NM_178526.5(SLC25A42):c.574C>T (p.Pro192Ser)

Gene: SLC25A42 (solute carrier family 25 member 42; plus strand). Cytogenetic location: 19p13.11.
Variant type: single nucleotide variant.
Coding change: c.574C>T on transcript NM_178526.5 (MANE Select); coding-DNA position 574, C replaced by T.
Protein change: p.Pro192Ser; replaces proline 192 with serine.
Molecular consequence: missense variant.
Genome position (GRCh38, 1-based): chr19:19,107,970, C>T. VCF-style: chr19-19107970-C-T. GRCh37 (hg19) VCF-style: chr19-19218779-C-T.
Other names: c.574C>T, p.Pro192Ser (NM_001321544.2); c.574C>T (NM_178526.3); short protein forms P192S.
Identifiers: ClinVar variation 1442839 (VCV001442839.10), dbSNP rs144256360, ClinGen allele CA9321536.
Genomic context (GRCh38, chr19:19,107,970, plus strand): 5'-CATGTCTTCATCCGCATCTCGAGAGAAGAGGGGCTGAAGACTCTCTACCATGGATTTATG[C>T]CCACCGTGCTGGGGGTCATTCCCTACGCTGGCCTGAGCTTCTTCACCTATGAGACGCTCA-3'
Protein context (NP_848621.2, residues 182-202): GLKTLYHGFM[Pro192Ser]TVLGVIPYAG